The following is an entry in ClinVar:

ClinVar aggregate classification (germline): Uncertain significance (1 of 4 stars; one submission).

Conditions:
Inborn genetic diseases. Identifiers: MedGen C0950123, MeSH D030342.

Submission:

Ambry Genetics
Classification: Uncertain significance for Inborn genetic diseases. Last evaluated: 2025-06-01. Review status: criteria provided, single submitter. Criteria: Ambry Variant Classification Scheme 2023. Collection method: clinical testing. Allele origin: germline.
Comment: The p.S97T variant (also known as c.289T>A), located in coding exon 3 of the CDH2 gene, results from a T to A substitution at nucleotide position 289. The serine at codon 97 is replaced by threonine, an amino acid with similar properties. This amino acid position is conserved. In addition, this alteration is predicted to be tolerated by in silico analysis. Based on the available evidence, the clinical significance of this variant remains unclear.

NM_001792.5(CDH2):c.289T>A (p.Ser97Thr)

Gene: CDH2 (cadherin 2; minus strand). Cytogenetic location: 18q12.1.
Variant type: single nucleotide variant.
Coding change: c.289T>A on transcript NM_001792.5 (MANE Select); coding-DNA position 289, T replaced by A.
Protein change: p.Ser97Thr; replaces serine 97 with threonine.
Molecular consequence: missense variant.
Genome position (GRCh38, 1-based): chr18:28,013,793, A>T on the plus strand (T>A on the coding strand, the complement: CDH2 is on the minus strand). VCF-style: chr18-28013793-A-T. GRCh37 (hg19) VCF-style: chr18-25593757-A-T.
Other names: c.196T>A, p.Ser66Thr (NM_001308176.2); short protein forms S66T, S97T.
Identifiers: ClinVar variation 3998908 (VCV003998908.1).